The following is an entry in ClinVar:

ClinVar aggregate classification (germline): Likely benign (1 of 4 stars; one submission).

Conditions:
DST-related disorder. Also called: DST-related disorders; DST-related condition.

gnomAD v4.1: 23 of 1,588,350 alleles (0.0014%); highest among the groups gnomAD compares: Non-Finnish European, 0.0019%; no homozygotes.

Submission:

PreventionGenetics, part of Exact Sciences
Classification: Likely benign for DST-related condition. Last evaluated: 2025-08-07. Review status: criteria provided, single submitter. Criteria: ACMG Guidelines, 2015. Collection method: clinical testing. Allele origin: germline.
Comment: This variant is classified as likely benign based on ACMG/AMP sequence variant interpretation guidelines (Richards et al. 2015 PMID: 25741868, with internal and published modifications).

NM_001374736.1(DST):c.1488A>G (p.Gln496=)

Gene: DST (dystonin; minus strand). Cytogenetic location: 6p12.1.
Variant type: single nucleotide variant.
Coding change: c.1488A>G on transcript NM_001374736.1 (MANE Select); coding-DNA position 1488, A replaced by G.
Protein change: p.Gln496=; no amino-acid change (glutamine 496 retained).
Molecular consequence: synonymous variant.
Genome position (GRCh38, 1-based): chr6:56,648,636, T>C on the plus strand (A>G on the coding strand, the complement: DST is on the minus strand). VCF-style: chr6-56648636-T-C. GRCh37 (hg19) VCF-style: chr6-56513434-T-C.
Other names: c.1389A>G, p.Gln463= (NM_001144769.5); c.975A>G, p.Gln325= (NM_001144770.2); c.1488A>G, p.Gln496= (NM_001374722.1); c.855A>G, p.Gln285= (NM_001374729.1, NM_001374730.1, NM_001386100.1 and 1 more transcripts); c.1515A>G, p.Gln505= (NM_001374734.1).
Identifiers: ClinVar variation 4987671 (VCV004987671.1).